The following is an entry in ClinVar:

ClinVar aggregate classification (germline): Conflicting classifications of pathogenicity. Review status: criteria provided, conflicting classifications (1 of 4 stars). 3 submissions from 3 submitters: Uncertain significance (1); Likely benign (2). Last evaluated 2025-09-13.

Conditions:
Familial cancer of breast. Also called: BREAST CANCER, FAMILIAL; hereditary breast carcinoma; Hereditary breast cancer. Identifiers: Orphanet 227535, MedGen C0346153, MONDO:0016419, OMIM 114480. Disease mechanism: loss of function.
Ataxia-telangiectasia syndrome (AT). Also called: LOUIS-BAR SYNDROME; Cerebello-oculocutaneous telangiectasia; Immunodeficiency with ataxia telangiectasia; AT, COMPLEMENTATION GROUP C; Ataxia-telangiectasia, complementation group D; ATAXIA-TELANGIECTASIA, COMPLEMENTATION GROUP A. Identifiers: Orphanet 100, MedGen C0004135, MONDO:0008840, OMIM 208900.

Submissions (3):

Labcorp Genetics (formerly Invitae), Labcorp
Classification: Likely benign for Ataxia-telangiectasia syndrome. Last evaluated: 2025-09-13. Review status: criteria provided, single submitter. Criteria: Invitae Variant Classification Sherloc (09022015). Collection method: clinical testing. Allele origin: germline.

Myriad Genetics, Inc.
Classification: Likely benign for Familial cancer of breast. Last evaluated: 2024-04-30. Review status: criteria provided, single submitter. Criteria: Myriad Autosomal Dominant, Autosomal Recessive and X-Linked Classification Criteria (2023). Collection method: clinical testing. Allele origin: unknown.
Comment: This variant is considered likely benign. This variant is intronic and is not expected to impact mRNA splicing.

GeneDx
Classification: Uncertain significance. Last evaluated: 2023-06-13. Review status: criteria provided, single submitter. Criteria: GeneDx Variant Classification Process June 2021. Collection method: clinical testing. Allele origin: germline. Affected: yes.
Comment: Not observed at significant frequency in large population cohorts (gnomAD); Has not been previously published as pathogenic or benign to our knowledge; In silico analysis is inconclusive as to whether the variant alters gene splicing. In the absence of RNA/functional studies, the actual effect of this sequence change is unknown.

NM_000051.4(ATM):c.1608-11T>C

Gene: ATM (ATM serine/threonine kinase; plus strand). Cytogenetic location: 11q22.3.
Variant type: single nucleotide variant.
Coding change: c.1608-11T>C on transcript NM_000051.4 (MANE Select); 11 bases into the intron before coding-DNA position 1608, T replaced by C.
Molecular consequence: intron variant.
Genome position (GRCh38, 1-based): chr11:108,251,826, T>C. VCF-style: chr11-108251826-T-C. GRCh37 (hg19) VCF-style: chr11-108122553-T-C.
Other names: c.1608-11T>C (NM_001351834.2).
Identifiers: ClinVar variation 3253967 (VCV003253967.4), dbSNP rs2080161530.